The following is an entry in ClinVar:

ClinVar aggregate classification (germline): Uncertain significance (1 of 4 stars; one submission).

Submission:

GeneDx
Classification: Uncertain significance. Last evaluated: 2021-12-21. Review status: criteria provided, single submitter. Criteria: GeneDx Variant Classification Process June 2021. Collection method: clinical testing. Allele origin: germline. Affected: yes.
Comment: Not observed at significant frequency in large population cohorts (gnomAD); In-frame deletion of 1 amino acid in a non-repeat region; In silico analysis supports a deleterious effect on protein structure/function; Has not been previously published as pathogenic or benign to our knowledge

NM_016120.4(RLIM):c.1611_1614delinsG (p.Asn538del)

Gene: RLIM (ring finger protein, LIM domain interacting; minus strand). Cytogenetic location: Xq13.2.
Variant type: Indel.
Coding change: c.1611_1614delinsG on transcript NM_016120.4 (MANE Select); coding-DNA positions 1611 to 1614, AAAT replaced by G.
Protein change: p.Asn538del; deletes asparagine 538.
Molecular consequence: inframe deletion.
Genome position (GRCh38, 1-based): chrX:74,591,701-74,591,704, ATTT replaced by C on the plus strand (AAAT replaced by G on the coding strand, the reverse complement: RLIM is on the minus strand). VCF-style: chrX-74591701-ATTT-C. GRCh37 (hg19) VCF-style: chrX-73811536-ATTT-C.
Other names: c.1611_1614delinsG, p.Asn538del (NM_183353.3); short protein forms N538del.
Identifiers: ClinVar variation 1693071 (VCV001693071.2), dbSNP rs2147371778, ClinGen allele CA2573159505.